The following is an entry in ClinVar:

NM_002519.3(NPAT):c.4091G>C (p.Arg1364Thr)

Gene: NPAT (nuclear protein, coactivator of histone transcription; minus strand). Cytogenetic location: 11q22.3.
Variant type: single nucleotide variant.
Coding change: c.4091G>C on transcript NM_002519.3 (MANE Select); coding-DNA position 4091, G replaced by C.
Protein change: p.Arg1364Thr; replaces arginine 1364 with threonine.
Molecular consequence: missense variant.
Genome position (GRCh38, 1-based): chr11:108,160,995, C>G on the plus strand (G>C on the coding strand, the complement: NPAT is on the minus strand). VCF-style: chr11-108160995-C-G. GRCh37 (hg19) VCF-style: chr11-108031722-C-G.
Other names: c.4112G>C, p.Arg1371Thr (NM_001321307.1); short protein forms R1364T, R1371T.
Identifiers: ClinVar variation 1737753 (VCV001737753.2), dbSNP rs368243074, ClinGen allele CA6263480.

ClinVar aggregate classification (germline): Uncertain significance (1 of 4 stars; one submission).

Allele frequency attached by ClinVar (database versions not stated): gnomAD exomes below 0.00001; ExAC 0.00001; gnomAD 0.00001; TOPMed 0.00001; ESP Exome Variant Server 0.00008.
gnomAD v4.1: 3 of 1,614,000 alleles (0.00019%); highest among the groups gnomAD compares: African/African-American, 0.004%; no homozygotes.

Submission:

Ambry Genetics
Classification: Uncertain significance. Last evaluated: 2022-03-12. Review status: criteria provided, single submitter. Criteria: Ambry Variant Classification Scheme 2023. Collection method: clinical testing. Allele origin: germline.
Comment: The p.R1364T variant (also known as c.4091G>C), located in coding exon 17 of the NPAT gene, results from a G to C substitution at nucleotide position 4091. The arginine at codon 1364 is replaced by threonine, an amino acid with similar properties. This amino acid position is conserved. In addition, this alteration is predicted to be tolerated by in silico analysis. Since supporting evidence is limited at this time, the clinical significance of this alteration remains unclear.